The following is an entry in ClinVar:

ClinVar aggregate classification (germline): Uncertain significance (1 of 4 stars; one submission).

Submission:

GeneDx
Classification: Uncertain significance. Last evaluated: 2026-02-12. Review status: criteria provided, single submitter. Criteria: GeneDx Variant Classification Process June 2021. Collection method: clinical testing. Allele origin: germline.
Comment: Not observed at significant frequency in large population cohorts (gnomAD); In silico analysis supports that this missense variant has a deleterious effect on protein structure/function; Has not been previously published as pathogenic or benign to our knowledge

NM_021224.6(ZNF462):c.6904T>C (p.Cys2302Arg)

Genes: ZNF462 (zinc finger protein 462; plus strand), LOC340512 (uncharacterized LOC340512; minus strand). Cytogenetic location: 9q31.2.
Variant type: single nucleotide variant.
Coding change: c.6904T>C on transcript NM_021224.6 (MANE Select); coding-DNA position 6904, T replaced by C.
Protein change: p.Cys2302Arg; replaces cysteine 2302 with arginine.
Molecular consequence: missense variant.
Genome position (GRCh38, 1-based): chr9:106,984,257, T>C. VCF-style: chr9-106984257-T-C. GRCh37 (hg19) VCF-style: chr9-109746538-T-C.
Other names: c.4309T>C, p.Cys1437Arg (NM_001347997.2); short protein forms C2302R, C1437R.
Identifiers: ClinVar variation 5007963 (VCV005007963.1).